The following is an entry in ClinVar:

ClinVar aggregate classification (germline): Benign. Review status: criteria provided, single submitter (1 of 4 stars). 2 submissions from 2 submitters: Benign (1). 1 of the submissions does not count toward it. Last evaluated 2026-02-04.

Conditions:
ADGRE2-related disorder. Also called: ADGRE2-related condition.

Allele frequency attached by ClinVar (database versions not stated): 1000 Genomes Project 0.54253; 1000 Genomes Project 30x 0.54294; ESP Exome Variant Server 0.43357; ExAC 0.43481; TOPMed 0.43842; gnomAD 0.43711; gnomAD exomes 0.36703.
gnomAD v4.1: 603,220 of 1,610,506 alleles (37%); highest among the groups gnomAD compares: African/African-American, 61%; 119,309 homozygotes.

Submissions (2):

Labcorp Genetics (formerly Invitae), Labcorp
Classification: Benign. Last evaluated: 2026-02-04. Review status: criteria provided, single submitter. Criteria: Invitae Variant Classification Sherloc (09022015). Collection method: clinical testing. Allele origin: germline.

PreventionGenetics, part of Exact Sciences
Classification: Benign for ADGRE2-related condition. Last evaluated: 2019-10-17. Review status: no assertion criteria provided. Collection method: clinical testing. Allele origin: germline. Not counted in ClinVar's aggregate classification.
Comment: This variant is classified as benign based on ACMG/AMP sequence variant interpretation guidelines (Richards et al. 2015 PMID: 25741868, with internal and published modifications).

NM_013447.4(ADGRE2):c.1193-9G>A

Gene: ADGRE2 (adhesion G protein-coupled receptor E2; minus strand). Cytogenetic location: 19p13.12.
Variant type: single nucleotide variant.
Coding change: c.1193-9G>A on transcript NM_013447.4 (MANE Select); 9 bases into the intron before coding-DNA position 1193, G replaced by A.
Molecular consequence: intron variant.
Genome position (GRCh38, 1-based): chr19:14,755,886, C>T on the plus strand (G>A on the coding strand, the complement: ADGRE2 is on the minus strand). VCF-style: chr19-14755886-C-T. GRCh37 (hg19) VCF-style: chr19-14866698-C-T.
Other names: c.1193-9G>A (NM_001271052.1, NM_013447.3).
Identifiers: ClinVar variation 2126078 (VCV002126078.6), dbSNP rs28420691, ClinGen allele CA9257768.
Genomic context (GRCh38, chr19:14,755,886, plus strand): 5'-GCCAGCAACTTGCCCATCCCTGGAATGGAGACAAGGCCCACCACAGAAGGGCCTGCAGGG[C>T]GAGGCCAAGGTTGAATCTTGGAGTAGGTTGAATCTCTGGGTCCACACCAGAGTTCCTCTG-3'